The following is an entry in ClinVar:

NM_001130987.2(DYSF):c.3898-206A>T

Gene: DYSF (dysferlin; plus strand). Cytogenetic location: 2p13.2.
Variant type: single nucleotide variant.
Coding change: c.3898-206A>T on transcript NM_001130987.2 (MANE Select); 206 bases into the intron before coding-DNA position 3898, A replaced by T.
Molecular consequence: intron variant.
Genome position (GRCh38, 1-based): chr2:71,601,293, A>T. VCF-style: chr2-71601293-A-T. GRCh37 (hg19) VCF-style: chr2-71828423-A-T.
Other names: c.3937-206A>T (NM_001130979.2); c.3895-206A>T (NM_001130981.2, NM_001130980.2); c.3844-206A>T (NM_001130978.2, NM_003494.4); c.3802-206A>T (NM_001130977.2, NM_001130976.2); c.3940-206A>T (NM_001130982.2); c.3898-206A>T (NM_001130985.2); c.3847-206A>T (NM_001130983.2, NM_001130455.2); c.3805-206A>T (NM_001130984.2, NM_001130986.2).
Identifiers: ClinVar variation 679993 (VCV000679993.2), dbSNP rs2303604, ClinGen allele CA11301399.

ClinVar aggregate classification (germline): Benign. Review status: criteria provided, multiple submitters, no conflicts (2 of 4 stars). 2 submissions from 2 submitters: Benign (2). Last evaluated 2018-06-14.

Allele frequency attached by ClinVar (database versions not stated): 1000 Genomes Project 0.91034; 1000 Genomes Project 30x 0.91537; gnomAD 0.95304; TOPMed 0.95633.
gnomAD v4.1: 638,274 of 680,328 alleles (94%); highest among the groups gnomAD compares: African/African-American, 99%; 300,345 homozygotes.

Submissions (2):

GeneDx
Classification: Benign. Last evaluated: 2018-06-14. Review status: criteria provided, single submitter. Criteria: GeneDx Variant Classification (06012015). Collection method: clinical testing. Allele origin: germline. Affected: yes.
Comment: This variant is considered likely benign or benign based on one or more of the following criteria: it is a conservative change, it occurs at a poorly conserved position in the protein, it is predicted to be benign by multiple in silico algorithms, and/or has population frequency not consistent with disease.

Breakthrough Genomics
Classification: Benign. Review status: criteria provided, single submitter. Criteria: ACMG Guidelines, 2015. Collection method: not provided. Allele origin: germline. Inheritance: Autosomal recessive inheritance. Affected: yes.